The following is an entry in ClinVar:

ClinVar aggregate classification (germline): Benign (1 of 4 stars; one submission).

Allele frequency attached by ClinVar (database versions not stated): TOPMed 0.07986; gnomAD 0.08517 and 0.08736; 1000 Genomes Project 0.08586; 1000 Genomes Project 30x 0.08651.

Submission:

GeneDx
Classification: Benign. Last evaluated: 2018-06-14. Review status: criteria provided, single submitter. Criteria: GeneDx Variant Classification (06012015). Collection method: clinical testing. Allele origin: germline. Affected: yes.
Comment: This variant is considered likely benign or benign based on one or more of the following criteria: it is a conservative change, it occurs at a poorly conserved position in the protein, it is predicted to be benign by multiple in silico algorithms, and/or has population frequency not consistent with disease.

NM_001128126.3(AP4S1):c.226-172_226-169del

Gene: AP4S1 (adaptor related protein complex 4 subunit sigma 1; plus strand). Cytogenetic location: 14q12.
Variant type: Deletion.
Coding change: c.226-172_226-169del on transcript NM_001128126.3 (MANE Select); 172 bases into the intron before coding-DNA position 226 through 169 bases into the intron before coding-DNA position 226, 4 bases deleted (AAGT; older notation c.226-172_226-169delAAGT).
Molecular consequence: intron variant.
Genome position (GRCh38, 1-based): chr14:31,072,733-31,072,736, AAGT deleted. VCF-style (leftmost placement, unchanged base first): chr14-31072732-CAAGT-C. GRCh37 (hg19) VCF-style: chr14-31541938-CAAGT-C.
Other names: c.226-172_226-169del (NM_001254729.2, NM_001254727.2, NM_007077.5 and 2 more transcripts); c.226-172_226-169delAAGT (NM_007077.4).
Identifiers: ClinVar variation 680071 (VCV000680071.1), dbSNP rs138887042, ClinGen allele CA258578148.
Genomic context (GRCh38, chr14:31,072,732, plus strand): 5'-AAAAAAATCCTAGAAGTTAAGGTTTATCTACATTTCCCCCATTGATAAACATCTTTTAAA[CAAGT>C]GAGTGATAGAACTGTTCTGAATATTTGTCAGTGGGAGGCTACTTTCCTCACATTATCGGT-3'